The following is an entry in ClinVar:

NM_000137.4(FAH):c.606+6T>C

Gene: FAH (fumarylacetoacetate hydrolase; plus strand). Cytogenetic location: 15q25.1.
Variant type: single nucleotide variant.
Coding change: c.606+6T>C on transcript NM_000137.4 (MANE Select); 6 bases into the intron after coding-DNA position 606, T replaced by C.
Molecular consequence: intron variant.
Genome position (GRCh38, 1-based): chr15:80,168,322, T>C. VCF-style: chr15-80168322-T-C. GRCh37 (hg19) VCF-style: chr15-80460664-T-C.
Other names: c.606+6T>C (NM_001374377.1, NM_001374380.1).
Identifiers: ClinVar variation 3710250 (VCV003710250.2).

ClinVar aggregate classification (germline): Uncertain significance (1 of 4 stars; one submission).

Conditions:
Tyrosinemia type I (TYRSN1). Also called: Tyrosinemia type 1; Fumarylacetoacetase deficiency; Deficiency of fumarylacetoacetase; HEPATORENAL TYROSINEMIA; FAH DEFICIENCY. Identifiers: Orphanet 882, MedGen C0268490, MONDO:0010161, OMIM 276700. Disease mechanism: loss of function.

Submission:

Labcorp Genetics (formerly Invitae), Labcorp
Classification: Uncertain significance for Tyrosinemia type I. Last evaluated: 2024-07-15. Review status: criteria provided, single submitter. Criteria: Invitae Variant Classification Sherloc (09022015). Collection method: clinical testing. Allele origin: germline.
Comment: This sequence change falls in intron 7 of the FAH gene. It does not directly change the encoded amino acid sequence of the FAH protein. It affects a nucleotide within the consensus splice site. This variant is not present in population databases (gnomAD no frequency). This variant has not been reported in the literature in individuals affected with FAH-related conditions. Variants that disrupt the consensus splice site are a relatively common cause of aberrant splicing (PMID: 17576681, 9536098). Algorithms developed to predict the effect of sequence changes on RNA splicing suggest that this variant is not likely to affect RNA splicing. In summary, the available evidence is currently insufficient to determine the role of this variant in disease. Therefore, it has been classified as a Variant of Uncertain Significance.

Literature cited by the submitters: PubMed 17576681; PubMed 9536098.